The following is an entry in ClinVar:

ClinVar aggregate classification (germline): Pathogenic (1 of 4 stars; one submission).

Submission:

Labcorp Genetics (formerly Invitae), Labcorp
Classification: Pathogenic. Last evaluated: 2023-08-04. Review status: criteria provided, single submitter. Criteria: Invitae Variant Classification Sherloc (09022015). Collection method: clinical testing. Allele origin: unknown.
Comment: For these reasons, this variant has been classified as Pathogenic. This variant has not been reported in the literature in individuals affected with SH3PXD2B-related conditions. This variant is a gross deletion of the genomic region encompassing exon(s) 4 of the SH3PXD2B gene. This deletion is out-of-frame, and is expected to create a premature termination codon and result in an absent or disrupted protein product. Loss-of-function variants in SH3PXD2B are known to be pathogenic (PMID: 20137777).

Literature cited by the submitters: PubMed 20137777.

NC_000005.9:g.(?_171821547)_(171821663_?)del

Gene: SH3PXD2B (SH3 and PX domains 2B; minus strand). Cytogenetic location: 5q35.1.
Variant type: Deletion.
Identifiers: ClinVar variation 3246453 (VCV003246453.1).